The following is an entry in ClinVar:

ClinVar aggregate classification (germline): Conflicting classifications of pathogenicity. Review status: criteria provided, conflicting classifications (1 of 4 stars). 7 submissions from 3 submitters: Uncertain significance (3); Benign (1); Likely benign (3). Last evaluated 2025-09-29.

Conditions:
Autosomal recessive limb-girdle muscular dystrophy type 2J (LGMDR10). Also called: Limb-girdle muscular dystrophy, type 2J; MUSCULAR DYSTROPHY, LIMB-GIRDLE, AUTOSOMAL RECESSIVE 10. Identifiers: Orphanet 140922, MedGen C1837342, MONDO:0012127, OMIM 608807.
Dilated cardiomyopathy 1G (CMD1G). Identifiers: Orphanet 154, MedGen C1858763, MONDO:0011400, OMIM 604145.
Early-onset myopathy with fatal cardiomyopathy (CMYO5). Also called: CONGENITAL MYOPATHY 5 WITH CARDIOMYOPATHY; Salih Myopathy. Identifiers: Orphanet 289377, MedGen C2673677, MONDO:0012714, OMIM 611705. Disease mechanism: loss of function.
Myopathy, myofibrillar, 9, with early respiratory failure (MFM9). Also called: EDSTROM MYOPATHY; MYOPATHY, PROXIMAL, WITH EARLY RESPIRATORY MUSCLE INVOLVEMENT; Myopathy, distal, with early respiratory failure, autosomal dominant; Hereditary myopathy with early respiratory failure. Identifiers: Orphanet 178464, Orphanet 34521, MedGen C1863599, MONDO:0011362, OMIM 603689.
Tibial muscular dystrophy (TMD). Also called: Tibial muscular dystrophy, tardive; UDD MYOPATHY; Udd Distal Myopathy – Tibial Muscular Dystrophy. Identifiers: Orphanet 609, MedGen C1838244, MONDO:0010870, OMIM 600334.

Allele frequency attached by ClinVar (database versions not stated): gnomAD 0.00001; gnomAD exomes 0.00001 and 0.00003; TOPMed 0.00001; ExAC 0.00003.
gnomAD v4.1: 40 of 1,582,156 alleles (0.0025%); highest among the groups gnomAD compares: Non-Finnish European, 0.0033%; no homozygotes.

Submissions (7):

Women's Health and Genetics/Laboratory Corporation of America, LabCorp
Classification: Likely benign. Last evaluated: 2025-09-29. Review status: criteria provided, single submitter. Criteria: LabCorp Variant Classification Summary - May 2015. Collection method: clinical testing. Allele origin: germline.

Labcorp Genetics (formerly Invitae), Labcorp
Classification: Likely benign for Dilated cardiomyopathy 1G; Autosomal recessive limb-girdle muscular dystrophy type 2J. Last evaluated: 2025-05-29. Review status: criteria provided, single submitter. Criteria: Invitae Variant Classification Sherloc (09022015). Collection method: clinical testing. Allele origin: germline.

Illumina Laboratory Services, Illumina
Classification: Uncertain significance for Early-onset myopathy with fatal cardiomyopathy. Last evaluated: 2018-01-12. Review status: criteria provided, single submitter. Criteria: ICSL Variant Classification Criteria 13 December 2019. Collection method: clinical testing. Allele origin: germline.

Illumina Laboratory Services, Illumina
Classification: Uncertain significance for Dilated cardiomyopathy 1G. Last evaluated: 2018-01-12. Review status: criteria provided, single submitter. Criteria: ICSL Variant Classification Criteria 13 December 2019. Collection method: clinical testing. Allele origin: germline.

Illumina Laboratory Services, Illumina
Classification: Benign for Tibial muscular dystrophy. Last evaluated: 2018-01-12. Review status: criteria provided, single submitter. Criteria: ICSL Variant Classification Criteria 13 December 2019. Collection method: clinical testing. Allele origin: germline.
Comment: This variant was observed in the ICSL laboratory as part of a predisposition screen in an ostensibly healthy population. It had not been previously curated by ICSL or reported in the Human Gene Mutation Database (HGMD: prior to June 1st, 2018), and was therefore a candidate for classification through an automated scoring system. Utilizing variant allele frequency, disease prevalence and penetrance estimates, and inheritance mode, an automated score was calculated to assess if this variant is too frequent to cause the disease. Based on the score and internal cut-off values, a variant classified as benign is not then subjected to further curation. The score for this variant resulted in a classification of benign for this disease.

Illumina Laboratory Services, Illumina
Classification: Uncertain significance for Autosomal recessive limb-girdle muscular dystrophy type 2J. Last evaluated: 2018-01-12. Review status: criteria provided, single submitter. Criteria: ICSL Variant Classification Criteria 13 December 2019. Collection method: clinical testing. Allele origin: germline.

Illumina Laboratory Services, Illumina
Classification: Likely benign for Myopathy, myofibrillar, 9, with early respiratory failure. Last evaluated: 2018-01-12. Review status: criteria provided, single submitter. Criteria: ICSL Variant Classification Criteria 13 December 2019. Collection method: clinical testing. Allele origin: germline.
Comment: This variant was observed in the ICSL laboratory as part of a predisposition screen in an ostensibly healthy population. It had not been previously curated by ICSL or reported in the Human Gene Mutation Database (HGMD: prior to June 1st, 2018), and was therefore a candidate for classification through an automated scoring system. Utilizing variant allele frequency, disease prevalence and penetrance estimates, and inheritance mode, an automated score was calculated to assess if this variant is too frequent to cause the disease. Based on the score and internal cut-off values, a variant classified as likely benign is not then subjected to further curation. The score for this variant resulted in a classification of likely benign for this disease.

NM_001267550.2(TTN):c.68528-8T>C

Genes: TTN (titin; minus strand), TTN-AS1 (TTN antisense RNA 1; plus strand). Cytogenetic location: 2q31.2.
Variant type: single nucleotide variant.
Coding change: c.68528-8T>C on transcript NM_001267550.2 (MANE Select); 8 bases into the intron before coding-DNA position 68528, T replaced by C.
Molecular consequence: intron variant.
Genome position (GRCh38, 1-based): chr2:178,577,906, A>G on the plus strand (T>C on the coding strand, the complement: TTN is on the minus strand). VCF-style: chr2-178577906-A-G. GRCh37 (hg19) VCF-style: chr2-179442633-A-G.
Other names: c.41333-8T>C (NM_003319.4); c.41909-8T>C (NM_133437.4); c.41708-8T>C (NM_133432.3); c.60824-8T>C (NM_133378.4); c.63605-8T>C (NM_001256850.1).
Identifiers: ClinVar variation 894583 (VCV000894583.13), dbSNP rs746223377, ClinGen allele CA1991076.